The following is an entry in ClinVar:

NM_020207.7(ERCC6L2):c.2512A>G (p.Lys838Glu)

Gene: ERCC6L2 (ERCC excision repair 6 like 2; plus strand). Cytogenetic location: 9q22.32.
Variant type: single nucleotide variant.
Coding change: c.2512A>G on transcript NM_020207.7 (MANE Select); coding-DNA position 2512, A replaced by G.
Protein change: p.Lys838Glu; replaces lysine 838 with glutamic acid.
Molecular consequence: missense variant. On other transcripts: non-coding transcript variant (1).
Genome position (GRCh38, 1-based): chr9:95,972,263, A>G. VCF-style: chr9-95972263-A-G. GRCh37 (hg19) VCF-style: chr9-98734545-A-G.
Other names: c.2512A>G, p.Lys838Glu (NM_001375291.1, NM_001375292.1, NM_001375293.1 and 1 more transcripts); short protein forms K838E.
Identifiers: ClinVar variation 1504849 (VCV001504849.6), dbSNP rs1222146230, ClinGen allele CA589285342.

ClinVar aggregate classification (germline): Uncertain significance. Review status: criteria provided, multiple submitters, no conflicts (2 of 4 stars). 2 submissions from 2 submitters: Uncertain significance (2). Last evaluated 2025-04-11.

Conditions:
Pancytopenia-developmental delay syndrome. Also called: Bone marrow failure syndrome 2. Identifiers: Orphanet 401764, MedGen C3810350, MONDO:0014317, OMIM 615715.

Allele frequency attached by ClinVar (database versions not stated): gnomAD exomes below 0.00001 and 0.00001; TOPMed 0.00001.
gnomAD v4.1: 2 of 1,304,040 alleles (0.00015%); highest among the groups gnomAD compares: Admixed American, 0.0046%; no homozygotes.

Submissions (2):

ARUP Laboratories, Molecular Genetics and Genomics, ARUP Laboratories
Classification: Uncertain significance for Pancytopenia-developmental delay syndrome. Last evaluated: 2025-04-11. Review status: criteria provided, single submitter. Criteria: ARUP Molecular Germline Variant Investigation Process 2024. Collection method: clinical testing. Allele origin: germline.
Comment: The ERCC6L2 c.2512A>G; p.Lys838Glu variant (rs1222146230), to our knowledge, is not reported in the medical literature but is reported in ClinVar (Variation ID: 1504849). This variant is only observed on one allele in the Genome Aggregation Database (v2.1.1), indicating it is not a common polymorphism. While REVEL score is not available for this variant, other computational algorithms (SIFT, PolyPhen) predict that this variant is neutral. However, given the lack of clinical and functional data, the significance of this variant is uncertain at this time.

Labcorp Genetics (formerly Invitae), Labcorp
Classification: Uncertain significance. Last evaluated: 2024-12-03. Review status: criteria provided, single submitter. Criteria: Invitae Variant Classification Sherloc (09022015). Collection method: clinical testing. Allele origin: germline.
Comment: This sequence change replaces lysine, which is basic and polar, with glutamic acid, which is acidic and polar, at codon 849 of the ERCC6L2 protein (p.Lys849Glu). This variant is present in population databases (no rsID available, gnomAD 0.004%). This variant has not been reported in the literature in individuals affected with ERCC6L2-related conditions. ClinVar contains an entry for this variant (Variation ID: 1504849). Experimental studies and prediction algorithms are not available or were not evaluated, and the functional significance of this variant is currently unknown. In summary, the available evidence is currently insufficient to determine the role of this variant in disease. Therefore, it has been classified as a Variant of Uncertain Significance.